The following is an entry in ClinVar:

NM_001374259.2(IL12RB2):c.1283C>T (p.Ser428Phe)

Gene: IL12RB2 (interleukin 12 receptor subunit beta 2; plus strand). Cytogenetic location: 1p31.3.
Variant type: single nucleotide variant.
Coding change: c.1283C>T on transcript NM_001374259.2 (MANE Select); coding-DNA position 1283, C replaced by T.
Protein change: p.Ser428Phe; replaces serine 428 with phenylalanine.
Molecular consequence: missense variant. On other transcripts: non-coding transcript variant (2).
Genome position (GRCh38, 1-based): chr1:67,367,849, C>T. VCF-style: chr1-67367849-C-T. GRCh37 (hg19) VCF-style: chr1-67833532-C-T.
Other names: c.1283C>T, p.Ser428Phe (NM_001258214.1, NM_001258215.1, NM_001258216.1 and 2 more transcripts); short protein forms S428F.
Identifiers: ClinVar variation 1024479 (VCV001024479.8), dbSNP rs768203289, ClinGen allele CA900464.

ClinVar aggregate classification (germline): Uncertain significance (1 of 4 stars; one submission).

Allele frequency attached by ClinVar (database versions not stated): gnomAD exomes 0.00001; ExAC 0.00002; gnomAD 0.00002; TOPMed 0.00002.
gnomAD v4.1: 9 of 1,604,154 alleles (0.00056%); highest among the groups gnomAD compares: African/African-American, 0.0054%; no homozygotes.

Submission:

Labcorp Genetics (formerly Invitae), Labcorp
Classification: Uncertain significance. Last evaluated: 2025-01-13. Review status: criteria provided, single submitter. Criteria: Invitae Variant Classification Sherloc (09022015). Collection method: clinical testing. Allele origin: germline.
Comment: This sequence change replaces serine, which is neutral and polar, with phenylalanine, which is neutral and non-polar, at codon 428 of the IL12RB2 protein (p.Ser428Phe). This variant is present in population databases (rs768203289, gnomAD 0.01%). This variant has not been reported in the literature in individuals affected with IL12RB2-related conditions. ClinVar contains an entry for this variant (Variation ID: 1024479). An algorithm developed to predict the effect of missense changes on protein structure and function outputs the following: PolyPhen-2: "Benign". The phenylalanine amino acid residue is found in multiple mammalian species, which suggests that this missense change does not adversely affect protein function. In summary, the available evidence is currently insufficient to determine the role of this variant in disease. Therefore, it has been classified as a Variant of Uncertain Significance.